The following is an entry in ClinVar:

ClinVar aggregate classification (germline): Uncertain significance (1 of 4 stars; one submission).

Allele frequency attached by ClinVar (database versions not stated): gnomAD 0.00003 and 0.00007; gnomAD exomes 0.00003; ExAC 0.00004; TOPMed 0.00006; 1000 Genomes Project 30x 0.00031; 1000 Genomes Project 0.00040.
gnomAD v4.1: 59 of 1,610,756 alleles (0.0037%); highest among the groups gnomAD compares: South Asian, 0.0088%; no homozygotes.

Submission:

GeneDx
Classification: Uncertain significance. Last evaluated: 2020-06-22. Review status: criteria provided, single submitter. Criteria: GeneDx Variant Classification Process June 2021. Collection method: clinical testing. Allele origin: germline. Affected: yes.
Comment: In silico analysis supports that this missense variant does not alter protein structure/function; This variant is associated with the following publications: (PMID: 29016666)

NM_001127671.2(LIFR):c.2338C>T (p.Arg780Cys)

Gene: LIFR (LIF receptor subunit alpha; minus strand). Cytogenetic location: 5p13.1.
Variant type: single nucleotide variant.
Coding change: c.2338C>T on transcript NM_001127671.2 (MANE Select); coding-DNA position 2338, C replaced by T.
Protein change: p.Arg780Cys; replaces arginine 780 with cysteine.
Molecular consequence: missense variant.
Genome position (GRCh38, 1-based): chr5:38,485,978, G>A on the plus strand (C>T on the coding strand, the complement: LIFR is on the minus strand). VCF-style: chr5-38485978-G-A. GRCh37 (hg19) VCF-style: chr5-38486080-G-A.
Other names: c.2338C>T, p.Arg780Cys (NM_001364297.2, NM_001364298.2, NM_002310.6); short protein forms R780C.
Identifiers: ClinVar variation 1318726 (VCV001318726.2), dbSNP rs553912841, ClinGen allele CA3242685.
Genomic context (GRCh38, chr5:38,485,978, plus strand): 5'-CAGCAATTCTCAGTGTCTTCTGGGATATGTCAGTAATATTCTTAACTTTTATGTCAGAAC[G>A]ACCTATTTTTAAAATGAAGTATGTTAGCACTAATCTCTAACCCGTTTCAAATGCATGGTT-3'
Protein context (NP_001121143.1, residues 770-790): TSKMRVLESG[Arg780Cys]SDIKVKNITD